The following is an entry in ClinVar:

ClinVar aggregate classification (germline): Uncertain significance (1 of 4 stars; one submission).

Submission:

GeneDx
Classification: Uncertain significance. Last evaluated: 2024-03-12. Review status: criteria provided, single submitter. Criteria: GeneDx Variant Classification Process June 2021. Collection method: clinical testing. Allele origin: germline. Affected: yes.
Comment: Not observed at significant frequency in large population cohorts (gnomAD); In silico analysis supports that this missense variant has a deleterious effect on protein structure/function; Has not been previously published as pathogenic or benign to our knowledge

NM_078480.3(PUF60):c.613C>A (p.Pro205Thr)

Gene: PUF60 (poly(U) binding splicing factor 60; minus strand). Cytogenetic location: 8q24.3.
Variant type: single nucleotide variant.
Coding change: c.613C>A on transcript NM_078480.3 (MANE Select); coding-DNA position 613, C replaced by A.
Protein change: p.Pro205Thr; replaces proline 205 with threonine.
Molecular consequence: missense variant.
Genome position (GRCh38, 1-based): chr8:143,818,066, G>T on the plus strand (C>A on the coding strand, the complement: PUF60 is on the minus strand). VCF-style: chr8-143818066-G-T. GRCh37 (hg19) VCF-style: chr8-144900236-G-T.
Other names: c.484C>A, p.Pro162Thr (NM_001136033.3); c.559C>A, p.Pro187Thr (NM_001271096.2); c.475C>A, p.Pro159Thr (NM_001271097.2); c.610C>A, p.Pro204Thr (NM_001271098.2); c.526C>A, p.Pro176Thr (NM_001271099.2); c.433C>A, p.Pro145Thr (NM_001271100.2); c.724C>A, p.Pro242Thr (NM_001362895.2, NM_001362896.2); c.673C>A, p.Pro225Thr (NM_001362897.2); and 1 more; short protein forms P145T, P159T, P162T, P176T, P187T, P188T, P204T, P205T.
Identifiers: ClinVar variation 3370613 (VCV003370613.1).
Genomic context (GRCh38, chr8:143,818,066, plus strand): 5'-AGGCCCGTGCCTCCTCAGCCAACTGGTCTATGATGGGCTGGGCCTGCCCTATGTTGCTGG[G>T]TCTGCCCACCTGGGGAAGAGGCGGTGAGATGGAAAGACCGGTCAACCCAGGCCCGGCCAC-3'
Protein context (NP_510965.1, residues 195-215): LGGRNIKVGR[Pro205Thr]SNIGQAQPII